The following is an entry in ClinVar:

NM_004370.6(COL12A1):c.8582G>A (p.Ser2861Asn)

Gene: COL12A1 (collagen type XII alpha 1 chain; minus strand). Cytogenetic location: 6q13.
Variant type: single nucleotide variant.
Coding change: c.8582G>A on transcript NM_004370.6 (MANE Select); coding-DNA position 8582, G replaced by A.
Protein change: p.Ser2861Asn; replaces serine 2861 with asparagine.
Molecular consequence: missense variant.
Genome position (GRCh38, 1-based): chr6:75,095,175, C>T on the plus strand (G>A on the coding strand, the complement: COL12A1 is on the minus strand). VCF-style: chr6-75095175-C-T. GRCh37 (hg19) VCF-style: chr6-75804891-C-T.
Other names: c.5090G>A, p.Ser1697Asn (NM_080645.3); short protein forms S1697N, S2861N.
Identifiers: ClinVar variation 705638 (VCV000705638.12), dbSNP rs148065232, ClinGen allele CA3892194.

ClinVar aggregate classification (germline): Benign/Likely benign. Review status: criteria provided, multiple submitters, no conflicts (2 of 4 stars). 3 submissions from 3 submitters: Benign (2); Likely benign (1). Last evaluated 2026-06-27.

Conditions:
COL12A1-related disorder. Also called: COL12A1-related condition.
Ullrich congenital muscular dystrophy 2 (UCMD2). Identifiers: Orphanet 75840, MedGen C4225314, MONDO:0014654, OMIM 616470.
Bethlem myopathy 2 (BTHLM2). Identifiers: Orphanet 536516, Orphanet 610, MedGen C4225313, MONDO:0034022, OMIM 616471.

Allele frequency attached by ClinVar (database versions not stated): TOPMed 0.00007; 1000 Genomes Project 30x 0.00031; 1000 Genomes Project 0.00040; ExAC 0.00218; gnomAD 0.00243 and 0.00261.
gnomAD v4.1: 2,105 of 1,613,720 alleles (0.13%); highest among the groups gnomAD compares: Non-Finnish European, 0.018%; 29 homozygotes.

Submissions (3):

PreventionGenetics, part of Exact Sciences
Classification: Likely benign for COL12A1-related condition. Last evaluated: 2026-06-27. Review status: criteria provided, single submitter. Criteria: ACMG Guidelines, 2015. Collection method: clinical testing. Allele origin: germline.
Comment: This variant is classified as likely benign based on ACMG/AMP sequence variant interpretation guidelines (Richards et al. 2015 PMID: 25741868, with internal and published modifications).

Labcorp Genetics (formerly Invitae), Labcorp
Classification: Benign for Bethlem myopathy 2; Ullrich congenital muscular dystrophy 2. Last evaluated: 2026-01-09. Review status: criteria provided, single submitter. Criteria: Invitae Variant Classification Sherloc (09022015). Collection method: clinical testing. Allele origin: germline.

GeneDx
Classification: Benign. Last evaluated: 2021-01-22. Review status: criteria provided, single submitter. Criteria: GeneDx Variant Classification Process June 2021. Collection method: clinical testing. Allele origin: germline. Affected: yes.